The following is an entry in ClinVar:

NM_152393.4(KLHL40):c.1849T>C (p.Cys617Arg)

Gene: KLHL40 (kelch like family member 40; plus strand). Cytogenetic location: 3p22.1.
Variant type: single nucleotide variant.
Coding change: c.1849T>C on transcript NM_152393.4 (MANE Select); coding-DNA position 1849, T replaced by C.
Protein change: p.Cys617Arg; replaces cysteine 617 with arginine.
Molecular consequence: missense variant.
Genome position (GRCh38, 1-based): chr3:42,691,976, T>C. VCF-style: chr3-42691976-T-C. GRCh37 (hg19) VCF-style: chr3-42733468-T-C.
Other names: short protein forms C617R.
Identifiers: ClinVar variation 226689 (VCV000226689.17), dbSNP rs123509, ClinGen allele CA2337116.

ClinVar aggregate classification (germline): Benign. Review status: criteria provided, multiple submitters, no conflicts (2 of 4 stars). 8 submissions from 8 submitters: Benign (8). Last evaluated 2026-02-04.

Conditions:
Nemaline myopathy 8 (NEM8). Also called: Nemaline myopathy 8, autosomal recessive. Identifiers: Orphanet 171430, MedGen C3809209, MONDO:0014138, OMIM 615348.

Allele frequency attached by ClinVar (database versions not stated): gnomAD exomes 0.77355 and 0.81515; ESP Exome Variant Server 0.80517; gnomAD 0.81037 and 0.81529; ExAC 0.81677; TOPMed 0.83008; 1000 Genomes Project 30x 0.89866; 1000 Genomes Project 0.89976.

Submissions (8):

Labcorp Genetics (formerly Invitae), Labcorp
Classification: Benign for Nemaline myopathy 8. Last evaluated: 2026-02-04. Review status: criteria provided, single submitter. Criteria: Invitae Variant Classification Sherloc (09022015). Collection method: clinical testing. Allele origin: germline.

Blueprint Genetics
Classification: Benign. Last evaluated: 2024-11-26. Review status: criteria provided, single submitter. Criteria: ACMG Guidelines, 2015. Collection method: clinical testing. Allele origin: germline.

Genome-Nilou Lab
Classification: Benign for Nemaline myopathy 8. Last evaluated: 2021-08-19. Review status: criteria provided, single submitter. Criteria: ACMG Guidelines, 2015. Collection method: clinical testing. Allele origin: germline. Affected: no.

Mayo Clinic Laboratories, Mayo Clinic
Classification: Benign. Last evaluated: 2017-07-19. Review status: criteria provided, single submitter. Criteria: ACMG Guidelines, 2015. Collection method: clinical testing. Allele origin: germline. Observed: 447 variant alleles.

GeneDx
Classification: Benign. Last evaluated: 2016-01-05. Review status: criteria provided, single submitter. Criteria: GeneDx Variant Classification (06012015). Collection method: clinical testing. Allele origin: germline. Affected: yes.
Comment: This variant is considered likely benign or benign based on one or more of the following criteria: it is a conservative change, it occurs at a poorly conserved position in the protein, it is predicted to be benign by multiple in silico algorithms, and/or has population frequency not consistent with disease.

Laboratory for Molecular Medicine, Mass General Brigham Personalized Medicine
Classification: Benign. Last evaluated: 2014-11-24. Review status: criteria provided, single submitter. Criteria: LMM Criteria. Collection method: clinical testing. Allele origin: germline. Observed: 12 variant alleles.
Comment: Cys617Arg in exon 6 of KLHL40: This variant is not expected to have clinical sig nificance because it has been identified in 24.6% (2113/8600) of European Americ an chromosomes from a broad population by the NHLBI Exome Sequencing Project (dbSNP rs123509).

Breakthrough Genomics
Classification: Benign. Review status: criteria provided, single submitter. Criteria: ACMG Guidelines, 2015. Collection method: not provided. Allele origin: germline. Inheritance: Autosomal recessive inheritance. Affected: yes.

PreventionGenetics, part of Exact Sciences
Classification: Benign. Review status: criteria provided, single submitter. Criteria: ACMG Guidelines, 2015. Collection method: clinical testing. Allele origin: germline.